The following is an entry in ClinVar:

ClinVar aggregate classification (germline): Uncertain significance (1 of 4 stars; one submission).

Conditions:
Hereditary cancer-predisposing syndrome. Also called: Neoplastic Syndromes, Hereditary; Tumor predisposition; Hereditary Cancer Syndrome; Hereditary neoplastic syndrome. Identifiers: Orphanet 140162, MedGen C0027672, MeSH D009386, MONDO:0015356.

gnomAD v4.1: 3 of 1,609,336 alleles (0.00019%); highest among the groups gnomAD compares: Admixed American, 0.0033%; no homozygotes.

Submission:

Ambry Genetics
Classification: Uncertain significance for Hereditary cancer-predisposing syndrome. Last evaluated: 2026-04-28. Review status: criteria provided, single submitter. Criteria: Ambry Variant Classification Scheme 2023. Collection method: clinical testing. Allele origin: germline.
Comment: The p.L1796R variant (also known as c.5387T>G), located in coding exon 41 of the TSC2 gene, results from a T to G substitution at nucleotide position 5387. The leucine at codon 1796 is replaced by arginine, an amino acid with dissimilar properties. This amino acid position is conserved. In addition, this alteration is predicted to be deleterious by in silico analysis. Based on the available evidence, the clinical significance of this variant remains unclear.

NM_000548.5(TSC2):c.5387T>G (p.Leu1796Arg)

Gene: TSC2 (TSC complex subunit 2; plus strand). Cytogenetic location: 16p13.3.
Variant type: single nucleotide variant.
Coding change: c.5387T>G on transcript NM_000548.5 (MANE Select); coding-DNA position 5387, T replaced by G.
Protein change: p.Leu1796Arg; replaces leucine 1796 with arginine.
Molecular consequence: missense variant. On other transcripts: non-coding transcript variant (5).
Genome position (GRCh38, 1-based): chr16:2,088,573, T>G. VCF-style: chr16-2088573-T-G. GRCh37 (hg19) VCF-style: chr16-2138574-T-G.
Other names: c.5186T>G, p.Leu1729Arg (NM_001077183.3); c.5318T>G, p.Leu1773Arg (NM_001114382.3); c.5078T>G, p.Leu1693Arg (NM_001318827.2); c.5042T>G, p.Leu1681Arg (NM_001318829.2); c.4655T>G, p.Leu1552Arg (NM_001318831.2); c.5219T>G, p.Leu1740Arg (NM_001318832.2); c.5189T>G, p.Leu1730Arg (NM_001363528.2); c.5255T>G, p.Leu1752Arg (NM_001370404.1); and 27 more; short protein forms L1195R, L1281R, L1282R, L1304R, L1305R, L1325R, L1529R, L1530R.
Identifiers: ClinVar variation 4866105 (VCV004866105.1).